The following is an entry in ClinVar:

ClinVar aggregate classification (germline): Pathogenic/Likely pathogenic. Review status: criteria provided, multiple submitters, no conflicts (2 of 4 stars). 2 submissions from 2 submitters: Pathogenic (1); Likely pathogenic (1). Last evaluated 2025-06-15.

Conditions:
Isolated microphthalmia 2. Identifiers: Orphanet 2542, MedGen C1864720, MONDO:0012409, OMIM 610093.
Microphthalmia. Also called: Microphthalmos. Identifiers: MedGen C0026010, MONDO:0021129, HP:0000568.

Allele frequency attached by ClinVar (database versions not stated): gnomAD exomes below 0.00001 and 0.00003; ExAC 0.00001; gnomAD 0.00001; TOPMed 0.00001.

Submissions (2):

Labcorp Genetics (formerly Invitae), Labcorp
Classification: Pathogenic for Isolated microphthalmia 2. Last evaluated: 2025-06-15. Review status: criteria provided, single submitter. Criteria: Invitae Variant Classification Sherloc (09022015). Collection method: clinical testing. Allele origin: germline.
Comment: This sequence change creates a premature translational stop signal (p.Trp195*) in the VSX2 gene. It is expected to result in an absent or disrupted protein product. Loss-of-function variants in VSX2 are known to be pathogenic (PMID: 20414678). This variant is present in population databases (rs755997898, gnomAD 0.0009%). This variant has not been reported in the literature in individuals affected with VSX2-related conditions. ClinVar contains an entry for this variant (Variation ID: 1071776). For these reasons, this variant has been classified as Pathogenic.

Natera, Inc.
Classification: Likely pathogenic for Microphthalmia. Last evaluated: 2024-12-10. Review status: criteria provided, single submitter. Criteria: Natera Variant Classification Schema (03/2026). Collection method: clinical testing. Allele origin: germline.
Comment: The c.584G>A variant in VSX2 is a nonsense variant predicted to introduce a stop codon at amino acid 195. This variant is expected to result in nonsense mediated decay, truncation, or a dysfunctional protein product. This variant is rare in the general population with a frequency below the threshold expected for the associated phenotype(s). Given the available evidence, this variant is classified as Likely Pathogenic.

Literature cited by the submitters: PubMed 20414678 (cited by Labcorp Genetics (formerly Invitae), Labcorp).

NM_182894.3(VSX2):c.584G>A (p.Trp195Ter)

Gene: VSX2 (visual system homeobox 2; plus strand). Cytogenetic location: 14q24.3.
Variant type: single nucleotide variant.
Coding change: c.584G>A on transcript NM_182894.3 (MANE Select); coding-DNA position 584, G replaced by A.
Protein change: p.Trp195Ter; replaces tryptophan 195 with a stop codon.
Molecular consequence: nonsense.
Genome position (GRCh38, 1-based): chr14:74,259,606, G>A. VCF-style: chr14-74259606-G-A. GRCh37 (hg19) VCF-style: chr14-74726309-G-A.
Other names: c.584G>A (NM_182894.2); short protein forms W195*.
Identifiers: ClinVar variation 1071776 (VCV001071776.9), dbSNP rs755997898, ClinGen allele CA7266391.